The following is an entry in ClinVar:

ClinVar aggregate classification (germline): Uncertain significance (1 of 4 stars; one submission).

Conditions:
Orthostatic hypotension 1 (ORTHYP1). Also called: Orthostatic hypotension 1, due to DBH deficiency; NORADRENALINE DEFICIENCY; NOREPINEPHRINE DEFICIENCY; Dopamine beta-hydroxylase deficiency. Identifiers: Orphanet 230, MedGen C4746777, MONDO:0009123, OMIM 223360.

Submission:

Labcorp Genetics (formerly Invitae), Labcorp
Classification: Uncertain significance for Orthostatic hypotension 1. Last evaluated: 2024-02-17. Review status: criteria provided, single submitter. Criteria: Invitae Variant Classification Sherloc (09022015). Collection method: clinical testing. Allele origin: germline.
Comment: This variant, c.1556_1558del, results in the deletion of 1 amino acid(s) of the DBH protein (p.Ile519del), but otherwise preserves the integrity of the reading frame. This variant is not present in population databases (gnomAD no frequency). This variant has not been reported in the literature in individuals affected with DBH-related conditions. Experimental studies and prediction algorithms are not available or were not evaluated, and the functional significance of this variant is currently unknown. In summary, the available evidence is currently insufficient to determine the role of this variant in disease. Therefore, it has been classified as a Variant of Uncertain Significance.

NM_000787.4(DBH):c.1553TCA[1] (p.Ile519del)

Genes: DBH (dopamine beta-hydroxylase; plus strand), DBH-AS1 (DBH antisense RNA 1; minus strand). Cytogenetic location: 9q34.2.
Variant type: Microsatellite.
Coding change: c.1553TCA[1] on transcript NM_000787.4 (MANE Select); one copy of the 3-base unit TCA starting at c.1553; the reference has two copies in a row; one copy, 3 bases deleted.
Protein change: p.Ile519del; deletes isoleucine 519.
Molecular consequence: inframe deletion.
Genome position (GRCh38, 1-based): chr9:133,656,644-133,656,646, TCA deleted; deleting any 3 consecutive bases within chr9:133,656,641-133,656,646 gives the same sequence; the position shown is the placement nearest the transcript's 3' end. VCF-style (leftmost placement, unchanged base first): chr9-133656640-CTCA-C. GRCh37 (hg19) VCF-style: chr9-136521762-CTCA-C.
Other names: short protein forms I519del.
Identifiers: ClinVar variation 1517662 (VCV001517662.8), dbSNP rs2131295025, ClinGen allele CA2580617137.